The following is an entry in ClinVar:

ClinVar aggregate classification (germline): Uncertain significance (1 of 4 stars; one submission).

Conditions:
Cardiovascular phenotype. Identifiers: MedGen CN230736.

Submission:

Ambry Genetics
Classification: Uncertain significance for Cardiovascular phenotype. Last evaluated: 2026-08-29. Review status: criteria provided, single submitter. Criteria: Ambry Variant Classification Scheme 2023. Collection method: clinical testing. Allele origin: germline.
Comment: The p.E1378A variant (also known as c.4133A>C), located in coding exon 27 of the MYH6 gene, results from an A to C substitution at nucleotide position 4133. The glutamic acid at codon 1378 is replaced by alanine, an amino acid with dissimilar properties. This amino acid position is conserved. In addition, this alteration is predicted to be deleterious by in silico analysis. Based on the available evidence, the clinical significance of this variant remains unclear.

NM_002471.4(MYH6):c.4133A>C (p.Glu1378Ala)

Gene: MYH6 (myosin heavy chain 6; minus strand). Cytogenetic location: 14q11.2.
Variant type: single nucleotide variant.
Coding change: c.4133A>C on transcript NM_002471.4 (MANE Select); coding-DNA position 4133, A replaced by C.
Protein change: p.Glu1378Ala; replaces glutamic acid 1378 with alanine.
Molecular consequence: missense variant.
Genome position (GRCh38, 1-based): chr14:23,388,901, T>G on the plus strand (A>C on the coding strand, the complement: MYH6 is on the minus strand). VCF-style: chr14-23388901-T-G. GRCh37 (hg19) VCF-style: chr14-23858110-T-G.
Other names: short protein forms E1378A.
Identifiers: ClinVar variation 5025144 (VCV005025144.1).